The following is an entry in ClinVar:

ClinVar aggregate classification (germline): Pathogenic (1 of 4 stars; one submission).

Conditions:
Duchenne muscular dystrophy (DMD). Also called: MUSCULAR DYSTROPHY, PSEUDOHYPERTROPHIC PROGRESSIVE, DUCHENNE TYPE; Duchenne Muscular Dystrophy (DMD). Identifiers: Orphanet 98896, MedGen C0013264, MONDO:0010679, OMIM 310200.

Submission:

Labcorp Genetics (formerly Invitae), Labcorp
Classification: Pathogenic for Duchenne muscular dystrophy. Last evaluated: 2023-06-05. Review status: criteria provided, single submitter. Criteria: Invitae Variant Classification Sherloc (09022015). Collection method: clinical testing. Allele origin: unknown.
Comment: For these reasons, this variant has been classified as Pathogenic. The region of the DMD gene that includes exon(s) 40 has been determined to be clinically significant (PMID: 20485447, 28116794). Therefore, deletions that encompass that region are likely to be disease-causing. This variant has not been reported in the literature in individuals affected with DMD-related conditions. This variant is a gross deletion of the genomic region encompassing exon(s) 19-42 of the DMD gene. This variant would be expected to be in-frame, preserving the integrity of the reading frame.

Literature cited by the submitters: PubMed 20485447; PubMed 28116794.

NC_000023.10:g.(?_32328179)_(32519979_?)del

Gene: DMD (dystrophin; minus strand). Cytogenetic location: Xp21.1.
Variant type: Deletion.
Identifiers: ClinVar variation 3245678 (VCV003245678.1).